The following is an entry in ClinVar:

NM_001127392.3(MYRF):c.150C>T (p.Ile50=)

Gene: MYRF (myelin regulatory factor; plus strand). Cytogenetic location: 11q12.2.
Variant type: single nucleotide variant.
Coding change: c.150C>T on transcript NM_001127392.3 (MANE Select); coding-DNA position 150, C replaced by T.
Protein change: p.Ile50=; no amino-acid change (isoleucine 50 retained).
Molecular consequence: synonymous variant.
Genome position (GRCh38, 1-based): chr11:61,765,973, C>T. VCF-style: chr11-61765973-C-T. GRCh37 (hg19) VCF-style: chr11-61533445-C-T.
Other names: c.123C>T, p.Ile41= (NM_013279.4).
Identifiers: ClinVar variation 3045108 (VCV003045108.2), dbSNP rs1026813520, ClinGen allele CA222925569.

ClinVar aggregate classification (germline): Likely benign (0 of 4 stars; one submission).

Conditions:
MYRF-related disorder. Also called: MYRF-related disorders; MYRF-related condition.

Allele frequency attached by ClinVar (database versions not stated): gnomAD 0.00001; TOPMed 0.00002; gnomAD exomes 0.00003.
gnomAD v4.1: 48 of 1,534,190 alleles (0.0031%); highest among the groups gnomAD compares: Non-Finnish European, 0.0038%; no homozygotes.

Submission:

PreventionGenetics, part of Exact Sciences
Classification: Likely benign for MYRF-related condition. Last evaluated: 2019-03-01. Review status: no assertion criteria provided. Collection method: clinical testing. Allele origin: germline.
Comment: This variant is classified as likely benign based on ACMG/AMP sequence variant interpretation guidelines (Richards et al. 2015 PMID: 25741868, with internal and published modifications).